The following is an entry in ClinVar:

ClinVar aggregate classification (germline): Uncertain significance (1 of 4 stars; one submission).

Submission:

Labcorp Genetics (formerly Invitae), Labcorp
Classification: Uncertain significance. Last evaluated: 2025-06-09. Review status: criteria provided, single submitter. Criteria: Invitae Variant Classification Sherloc (09022015). Collection method: clinical testing. Allele origin: germline.
Comment: This sequence change replaces glycine, which is neutral and non-polar, with serine, which is neutral and polar, at codon 841 of the NFKB1 protein (p.Gly841Ser). This variant is not present in population databases (gnomAD no frequency). This variant has not been reported in the literature in individuals affected with NFKB1-related conditions. Invitae Evidence Modeling of protein sequence and biophysical properties (such as structural, functional, and spatial information, amino acid conservation, physicochemical variation, residue mobility, and thermodynamic stability) indicates that this missense variant is not expected to disrupt NFKB1 protein function with a negative predictive value of 80%. In summary, the available evidence is currently insufficient to determine the role of this variant in disease. Therefore, it has been classified as a Variant of Uncertain Significance.

NM_003998.4(NFKB1):c.2521G>A (p.Gly841Ser)

Gene: NFKB1 (nuclear factor kappa B subunit 1; plus strand). Cytogenetic location: 4q24.
Variant type: single nucleotide variant.
Coding change: c.2521G>A on transcript NM_003998.4 (MANE Select); coding-DNA position 2521, G replaced by A.
Protein change: p.Gly841Ser; replaces glycine 841 with serine.
Molecular consequence: missense variant.
Genome position (GRCh38, 1-based): chr4:102,612,535, G>A. VCF-style: chr4-102612535-G-A. GRCh37 (hg19) VCF-style: chr4-103533692-G-A.
Other names: c.2518G>A, p.Gly840Ser (NM_001165412.2, NM_001319226.2, NM_001382627.1); c.2521G>A, p.Gly841Ser (NM_001382625.1, NM_001382626.1); c.2479G>A, p.Gly827Ser (NM_001382628.1); short protein forms G840S, G827S, G841S.
Identifiers: ClinVar variation 4740316 (VCV004740316.1).